The following is an entry in ClinVar:

NM_198428.3(BBS9):c.1275+6T>G

Gene: BBS9 (Bardet-Biedl syndrome 9; plus strand). Cytogenetic location: 7p14.3.
Variant type: single nucleotide variant.
Coding change: c.1275+6T>G on transcript NM_198428.3 (MANE Select); 6 bases into the intron after coding-DNA position 1275, T replaced by G.
Molecular consequence: intron variant.
Genome position (GRCh38, 1-based): chr7:33,340,979, T>G. VCF-style: chr7-33340979-T-G. GRCh37 (hg19) VCF-style: chr7-33380591-T-G.
Other names: c.1275+6T>G (NM_001348036.1, NM_001362679.1, NM_001348041.4 and 5 more transcripts); c.1002+6T>G (NM_001348038.3, NM_001348039.3); c.909+6T>G (NM_001348037.3, NM_001348045.3, NM_001348046.3 and 1 more transcripts); c.1140+6T>G (NM_001348042.3).
Identifiers: ClinVar variation 1348761 (VCV001348761.6), dbSNP rs1816408545, ClinGen allele CA2573142073.

ClinVar aggregate classification (germline): Uncertain significance (1 of 4 stars; one submission).

Conditions:
Bardet-Biedl syndrome (BBS). Identifiers: Orphanet 110, MedGen C0752166, MONDO:0015229.

Submission:

Labcorp Genetics (formerly Invitae), Labcorp
Classification: Uncertain significance for Bardet-Biedl syndrome. Last evaluated: 2024-10-15. Review status: criteria provided, single submitter. Criteria: Invitae Variant Classification Sherloc (09022015). Collection method: clinical testing. Allele origin: germline.
Comment: This sequence change falls in intron 11 of the BBS9 gene. It does not directly change the encoded amino acid sequence of the BBS9 protein. It affects a nucleotide within the consensus splice site. This variant is not present in population databases (gnomAD no frequency). This variant has not been reported in the literature in individuals affected with BBS9-related conditions. ClinVar contains an entry for this variant (Variation ID: 1348761). Variants that disrupt the consensus splice site are a relatively common cause of aberrant splicing (PMID: 17576681, 9536098). Algorithms developed to predict the effect of sequence changes on RNA splicing suggest that this variant may disrupt the consensus splice site. In summary, the available evidence is currently insufficient to determine the role of this variant in disease. Therefore, it has been classified as a Variant of Uncertain Significance.

Literature cited by the submitters: PubMed 17576681; PubMed 9536098.